The following is an entry in ClinVar:

ClinVar aggregate classification (germline): Uncertain significance. Review status: criteria provided, multiple submitters, no conflicts (2 of 4 stars). 2 submissions from 2 submitters: Uncertain significance (2). Last evaluated 2022-09-02.

Conditions:
Severe combined immunodeficiency, autosomal recessive, T cell-negative, B cell-negative, NK cell-negative, due to adenosine deaminase deficiency. Also called: ADA deficiency; Adenosine deaminase deficient severe combined immunodeficiency; Severe combined immunodeficiency due to ADA deficiency; SCID DUE TO ADA DEFICIENCY; SCID DUE TO ADA DEFICIENCY, EARLY-ONSET; Adenosine Deaminase Deficiency. Identifiers: Orphanet 277, MedGen C0392607, MONDO:0007064, OMIM 102700.

Allele frequency attached by ClinVar (database versions not stated): ExAC 0.00001; gnomAD exomes 0.00001.

Submissions (2):

Labcorp Genetics (formerly Invitae), Labcorp
Classification: Uncertain significance for Severe combined immunodeficiency, autosomal recessive, T cell-negative, B cell-negative, NK cell-negative, due to adenosine deaminase deficiency. Last evaluated: 2022-09-02. Review status: criteria provided, single submitter. Criteria: Invitae Variant Classification Sherloc (09022015). Collection method: clinical testing. Allele origin: germline.
Comment: This sequence change replaces threonine, which is neutral and polar, with arginine, which is basic and polar, at codon 42 of the ADA protein (p.Thr42Arg). This variant is present in population databases (rs780318972, gnomAD 0.002%). This variant has not been reported in the literature in individuals affected with ADA-related conditions. ClinVar contains an entry for this variant (Variation ID: 1337777). Advanced modeling of protein sequence and biophysical properties (such as structural, functional, and spatial information, amino acid conservation, physicochemical variation, residue mobility, and thermodynamic stability) performed at Invitae indicates that this missense variant is expected to disrupt ADA protein function. In summary, the available evidence is currently insufficient to determine the role of this variant in disease. Therefore, it has been classified as a Variant of Uncertain Significance.

Genetic Services Laboratory, University of Chicago
Classification: Uncertain significance. Last evaluated: 2020-11-09. Review status: criteria provided, single submitter. Criteria: ACMG Guidelines, 2015. Collection method: clinical testing. Allele origin: germline. Affected: no.
Comment: DNA sequence analysis of the ADA gene demonstrated a sequence change, c.125C>G, in exon 3 that results in an amino acid change, p.Thr42Arg. This sequence change does not appear to have been previously described in patients with ADA-related disorders and has been described in the gnomAD database in two individuals with an overall population frequency of 0.0008% (dbSNP rs780318972). The p.Thr42Arg change affects a highly conserved amino acid residue located in a domain of the ADA protein that is known to be functional. The p.Thr42Arg substitution appears to be deleterious using several in-silico pathogenicity prediction tools (SIFT, PolyPhen2, Align GVGD, REVEL). Due to these contrasting evidences and the lack of functional studies, the clinical significance of the p.Thr42Arg change remains unknown at this time.

NM_000022.4(ADA):c.125C>G (p.Thr42Arg)

Genes: ADA (adenosine deaminase; minus strand), LOC107303343 (adenosine deaminase intronic regulatory elements; plus strand). Cytogenetic location: 20q13.12.
Variant type: single nucleotide variant.
Coding change: c.125C>G on transcript NM_000022.4 (MANE Select); coding-DNA position 125, C replaced by G.
Protein change: p.Thr42Arg; replaces threonine 42 with arginine.
Molecular consequence: missense variant. On other transcripts: 5 prime UTR variant (1), non-coding transcript variant (1).
Genome position (GRCh38, 1-based): chr20:44,629,140, G>C on the plus strand (C>G on the coding strand, the complement: ADA is on the minus strand). VCF-style: chr20-44629140-G-C. GRCh37 (hg19) VCF-style: chr20-43257781-G-C.
Other names: c.-165C>G (NM_001322050.2); c.125C>G, p.Thr42Arg (NM_001322051.2); short protein forms T42R.
Identifiers: ClinVar variation 1337777 (VCV001337777.6), dbSNP rs780318972, ClinGen allele CA9871753.